The following is an entry in ClinVar:

ClinVar aggregate classification (germline): Uncertain significance (1 of 4 stars; one submission).

gnomAD v4.1: 2 of 1,614,134 alleles (0.00012%); highest among the groups gnomAD compares: Non-Finnish European, 0.00017%; no homozygotes.

Submission:

Mayo Clinic Laboratories, Mayo Clinic
Classification: Uncertain significance. Last evaluated: 2025-12-18. Review status: criteria provided, single submitter. Criteria: ACMG Guidelines, 2015. Collection method: clinical testing. Allele origin: germline. Observed: 1 variant allele.
Comment: BP4_moderate, PM2_supporting

NM_032578.4(MYPN):c.1192G>A (p.Val398Ile)

Gene: MYPN (myopalladin; plus strand). Cytogenetic location: 10q21.3.
Variant type: single nucleotide variant.
Coding change: c.1192G>A on transcript NM_032578.4 (MANE Select); coding-DNA position 1192, G replaced by A.
Protein change: p.Val398Ile; replaces valine 398 with isoleucine.
Molecular consequence: missense variant. On other transcripts: non-coding transcript variant (2).
Genome position (GRCh38, 1-based): chr10:68,148,414, G>A. VCF-style: chr10-68148414-G-A. GRCh37 (hg19) VCF-style: chr10-69908171-G-A.
Other names: p.Val398Ile; c.1192G>A, p.Val398Ile (NM_001256267.2); c.310G>A, p.Val104Ile (NM_001256268.2); short protein forms V104I, V398I.
Identifiers: ClinVar variation 4541541 (VCV004541541.1).